The following is an entry in ClinVar:

ClinVar aggregate classification (germline): Uncertain significance (1 of 4 stars; one submission).

Conditions:
Autoimmune lymphoproliferative syndrome type 1. Also called: AUTOIMMUNE LYMPHOPROLIFERATIVE SYNDROME, TYPE I, AUTOSOMAL DOMINANT. Identifiers: Orphanet 3261, MedGen C2717884, MONDO:0011158, OMIM 601859.

Submission:

Labcorp Genetics (formerly Invitae), Labcorp
Classification: Uncertain significance for Autoimmune lymphoproliferative syndrome. Last evaluated: 2022-07-30. Review status: criteria provided, single submitter. Criteria: Invitae Variant Classification Sherloc (09022015). Collection method: clinical testing. Allele origin: germline.
Comment: Information on the frequency of this variant in the gnomAD database is not available, as this variant may be reported differently in the database. This sequence change replaces glutamic acid, which is acidic and polar, with leucine, which is neutral and non-polar, at codon 142 of the FASLG protein (p.Glu142Leu). This variant has not been reported in the literature in individuals affected with FASLG-related conditions. Algorithms developed to predict the effect of missense changes on protein structure and function are either unavailable or do not agree on the potential impact of this missense change (SIFT: "Not Available"; PolyPhen-2: "Benign"; Align-GVGD: "Not Available"). In summary, the available evidence is currently insufficient to determine the role of this variant in disease. Therefore, it has been classified as a Variant of Uncertain Significance.

NM_000639.3(FASLG):c.424_425delinsTT (p.Glu142Leu)

Gene: FASLG (Fas ligand; plus strand). Cytogenetic location: 1q24.3.
Variant type: Indel.
Coding change: c.424_425delinsTT on transcript NM_000639.3 (MANE Select); coding-DNA positions 424 to 425, GA replaced by TT.
Protein change: p.Glu142Leu; replaces glutamic acid 142 with leucine.
Molecular consequence: missense variant.
Genome position (GRCh38, 1-based): chr1:172,664,363-172,664,364, GA replaced by TT. VCF-style: chr1-172664363-GA-TT. GRCh37 (hg19) VCF-style: chr1-172633503-GA-TT.
Other names: c.378_379delinsTT, p.Arg126_Ser127delinsSerCys (NM_001302746.2); short protein forms E142L.
Identifiers: ClinVar variation 1955589 (VCV001955589.5), dbSNP rs2527595782, ClinGen allele CA2580061373.